The following is an entry in ClinVar:

ClinVar aggregate classification (germline): Benign (1 of 4 stars; one submission).

Allele frequency attached by ClinVar (database versions not stated): 1000 Genomes Project 30x 0.19925; TOPMed 0.20181; 1000 Genomes Project 0.20268; gnomAD 0.20326 and 0.20600.
gnomAD v4.1: 31,431 of 151,940 alleles (21%); highest among the groups gnomAD compares: East Asian, 34%; 3,971 homozygotes.

Submission:

GeneDx
Classification: Benign. Last evaluated: 2018-06-14. Review status: criteria provided, single submitter. Criteria: GeneDx Variant Classification (06012015). Collection method: clinical testing. Allele origin: germline. Affected: yes.
Comment: This variant is considered likely benign or benign based on one or more of the following criteria: it is a conservative change, it occurs at a poorly conserved position in the protein, it is predicted to be benign by multiple in silico algorithms, and/or has population frequency not consistent with disease.

NM_001040142.2(SCN2A):c.2563-184A>G

Gene: SCN2A (sodium voltage-gated channel alpha subunit 2; plus strand). Cytogenetic location: 2q24.3.
Variant type: single nucleotide variant.
Coding change: c.2563-184A>G on transcript NM_001040142.2 (MANE Select); 184 bases into the intron before coding-DNA position 2563, A replaced by G.
Molecular consequence: intron variant.
Genome position (GRCh38, 1-based): chr2:165,344,371, A>G. VCF-style: chr2-165344371-A-G. GRCh37 (hg19) VCF-style: chr2-166200881-A-G.
Other names: c.2563-184A>G (NM_001040143.2, NM_001371246.1, NM_001371247.1 and 1 more transcripts).
Identifiers: ClinVar variation 669324 (VCV000669324.1), dbSNP rs3943809, ClinGen allele CA59719862.